The following is an entry in ClinVar:

ClinVar aggregate classification (germline): Conflicting classifications of pathogenicity. Review status: criteria provided, conflicting classifications (1 of 4 stars). 3 submissions from 3 submitters: Uncertain significance (2); Likely benign (1). Last evaluated 2024-01-08.

Conditions:
Alpha thalassemia-X-linked intellectual disability syndrome (ATRX). Also called: ALPHA-THALASSEMIA/MENTAL RETARDATION SYNDROME, X-LINKED; ATR, NONDELETION TYPE; ALPHA-THALASSEMIA/IMPAIRED INTELLECTUAL DEVELOPMENT SYNDROME, X-LINKED; X-linked alpha-thalassemia-mental retardation syndrome; ATR-X syndrome; Alpha thalassemia mental retardation syndrome, nondeletion type, X-linked. Identifiers: Orphanet 847, MedGen C1845055, MONDO:0010519, OMIM 301040.

Submissions (3):

Labcorp Genetics (formerly Invitae), Labcorp
Classification: Uncertain significance for Alpha thalassemia-X-linked intellectual disability syndrome. Last evaluated: 2024-01-08. Review status: criteria provided, single submitter. Criteria: Invitae Variant Classification Sherloc (09022015). Collection method: clinical testing. Allele origin: germline.
Comment: This variant, c.2247_2249del, results in the deletion of 1 amino acid(s) of the ATRX protein (p.Ser750del), but otherwise preserves the integrity of the reading frame. This variant is present in population databases (no rsID available, gnomAD 0.003%), including at least one homozygous and/or hemizygous individual. This variant has not been reported in the literature in individuals affected with ATRX-related conditions. ClinVar contains an entry for this variant (Variation ID: 533625). Experimental studies and prediction algorithms are not available or were not evaluated, and the functional significance of this variant is currently unknown. In summary, the available evidence is currently insufficient to determine the role of this variant in disease. Therefore, it has been classified as a Variant of Uncertain Significance.

CeGaT Center for Human Genetics Tuebingen
Classification: Uncertain significance. Last evaluated: 2022-10-01. Review status: criteria provided, single submitter. Criteria: CeGaT Center For Human Genetics Tuebingen Variant Classification Criteria Version 2. Collection method: clinical testing. Allele origin: germline. Affected: yes. Observed: 1 variant allele.

GeneDx
Classification: Likely benign. Last evaluated: 2021-01-22. Review status: criteria provided, single submitter. Criteria: GeneDx Variant Classification Process June 2021. Collection method: clinical testing. Allele origin: germline. Affected: yes.
Comment: In-frame deletion of 1 amino acid in a non-repeat region; In silico analysis, which includes protein predictors and evolutionary conservation, supports that this variant does not alter protein structure/function; Has not been previously published as pathogenic or benign to our knowledge

NM_000489.6(ATRX):c.2241TTC[2] (p.Ser750del)

Gene: ATRX (ATRX chromatin remodeler; minus strand). Cytogenetic location: Xq21.1.
Variant type: Microsatellite.
Coding change: c.2241TTC[2] on transcript NM_000489.6 (MANE Select); two copies in a row of the 3-base unit TTC starting at c.2241; the reference has three copies in a row; one copy, 3 bases deleted; also written c.2247_2249del.
Protein change: p.Ser750del; deletes serine 750.
Molecular consequence: inframe deletion.
Genome position (GRCh38, 1-based): chrX:77,683,007-77,683,009, GAA deleted on the plus strand (TTC on the coding strand, the reverse complement: ATRX is on the minus strand); deleting any 3 consecutive bases within chrX:77,683,007-77,683,015 gives the same sequence; the position shown is the placement nearest the transcript's 3' end. VCF-style (leftmost placement, unchanged base first): chrX-77683006-TGAA-T. GRCh37 (hg19) VCF-style: chrX-76938498-TGAA-T.
Other names: c.2247_2249del (NM_000489.4); c.2127TTC[2], p.Ser712del (NM_138270.5); short protein forms S750del, S712del.
Identifiers: ClinVar variation 533625 (VCV000533625.31), dbSNP rs1297294136, ClinGen allele CA413712852.